The following is an entry in ClinVar:

ClinVar aggregate classification (germline): Uncertain significance (1 of 4 stars; one submission).

Conditions:
Charcot-Marie-Tooth disease type 2. Also called: Charcot-Marie-Tooth type 2. Identifiers: Orphanet 64746, MedGen C0270914, MONDO:0018993.

gnomAD v4.1: 2 of 1,614,156 alleles (0.00012%); highest among the groups gnomAD compares: Non-Finnish European, 0.00017%; no homozygotes.

Submission:

Labcorp Genetics (formerly Invitae), Labcorp
Classification: Uncertain significance for Charcot-Marie-Tooth disease type 2. Last evaluated: 2024-03-28. Review status: criteria provided, single submitter. Criteria: Invitae Variant Classification Sherloc (09022015). Collection method: clinical testing. Allele origin: germline.
Comment: This sequence change replaces arginine, which is basic and polar, with leucine, which is neutral and non-polar, at codon 246 of the AARS protein (p.Arg246Leu). This variant is not present in population databases (gnomAD no frequency). This variant has not been reported in the literature in individuals affected with AARS-related conditions. Advanced modeling of protein sequence and biophysical properties (such as structural, functional, and spatial information, amino acid conservation, physicochemical variation, residue mobility, and thermodynamic stability) performed at Invitae indicates that this missense variant is expected to disrupt AARS protein function with a positive predictive value of 95%. In summary, the available evidence is currently insufficient to determine the role of this variant in disease. Therefore, it has been classified as a Variant of Uncertain Significance.

NM_001605.3(AARS1):c.737G>T (p.Arg246Leu)

Gene: AARS1 (alanyl-tRNA synthetase 1; minus strand). Cytogenetic location: 16q22.1.
Variant type: single nucleotide variant.
Coding change: c.737G>T on transcript NM_001605.3 (MANE Select); coding-DNA position 737, G replaced by T.
Protein change: p.Arg246Leu; replaces arginine 246 with leucine.
Molecular consequence: missense variant.
Genome position (GRCh38, 1-based): chr16:70,270,275, C>A on the plus strand (G>T on the coding strand, the complement: AARS1 is on the minus strand). VCF-style: chr16-70270275-C-A. GRCh37 (hg19) VCF-style: chr16-70304178-C-A.
Other names: short protein forms R246L.
Identifiers: ClinVar variation 3685873 (VCV003685873.2).